The following is an entry in ClinVar:

ClinVar aggregate classification (germline): Pathogenic/Likely pathogenic. Review status: criteria provided, multiple submitters, no conflicts (2 of 4 stars). 3 submissions from 3 submitters: Pathogenic (1); Likely pathogenic (1). 1 of the submissions does not count toward it. Last evaluated 2022-07-19.

Conditions:
Marfan syndrome (MFS). Also called: Marfan syndrome type 1; Marfan syndrome, classic; Marfan's syndrome; FBN1-Related Marfan Syndrome; MARFAN SYNDROME, TYPE I. Identifiers: Orphanet 284963, Orphanet 558, MedGen C0024796, MONDO:0007947, OMIM 154700.
Familial thoracic aortic aneurysm and aortic dissection (TAAD). Also called: Thoracic aortic aneurysms and dissections. Identifiers: Orphanet 91387, MedGen C4707243, MONDO:0019625.

Submissions (3):

Labcorp Genetics (formerly Invitae), Labcorp
Classification: Likely pathogenic for Marfan syndrome; Familial thoracic aortic aneurysm and aortic dissection. Last evaluated: 2022-07-19. Review status: criteria provided, single submitter. Criteria: Invitae Variant Classification Sherloc (09022015). Collection method: clinical testing. Allele origin: germline.
Comment: This variant affects a cysteine residue in the EGF-like, TGFBP or hybrid motif domains of FBN1. Cysteine residues are believed to be involved in intramolecular disulfide bridges and have been shown to be important for FBN1 protein structure (PMID: 16905551, 19349279). In addition, missense substitutions affecting cysteine residues within these domains are significantly overrepresented among patients with Marfan syndrome (PMID: 16571647, 17701892). Advanced modeling of protein sequence and biophysical properties (such as structural, functional, and spatial information, amino acid conservation, physicochemical variation, residue mobility, and thermodynamic stability) performed at Invitae indicates that this missense variant is expected to disrupt FBN1 protein function. ClinVar contains an entry for this variant (Variation ID: 549410). This variant has not been reported in the literature in individuals affected with FBN1-related conditions. This variant is not present in population databases (gnomAD no frequency). This sequence change replaces cysteine, which is neutral and slightly polar, with arginine, which is basic and polar, at codon 2483 of the FBN1 protein (p.Cys2483Arg). In summary, the currently available evidence indicates that the variant is pathogenic, but additional data are needed to prove that conclusively. Therefore, this variant has been classified as Likely Pathogenic.

Centre of Medical Genetics, University of Antwerp
Classification: Pathogenic for Marfan syndrome. Last evaluated: 2021-03-01. Review status: criteria provided, single submitter. Criteria: Submitter's publication. Collection method: research. Allele origin: unknown. Affected: yes.
Comment: PM2, PVS2, PP4

Center for Medical Genetics Ghent, University of Ghent
Classification: Likely pathogenic for Marfan syndrome. Last evaluated: 2017-11-07. Review status: no assertion criteria provided. Collection method: clinical testing. Allele origin: germline. Affected: yes. Not counted in ClinVar's aggregate classification.

Literature cited by the submitters: PubMed 16905551 (cited by Labcorp Genetics (formerly Invitae), Labcorp); PubMed 19349279 (cited by Labcorp Genetics (formerly Invitae), Labcorp); PubMed 16571647 (cited by Labcorp Genetics (formerly Invitae), Labcorp); PubMed 17701892 (cited by Labcorp Genetics (formerly Invitae), Labcorp).

NM_000138.5(FBN1):c.7447T>C (p.Cys2483Arg)

Gene: FBN1 (fibrillin 1; minus strand). Cytogenetic location: 15q21.1.
Variant type: single nucleotide variant.
Coding change: c.7447T>C on transcript NM_000138.5 (MANE Select); coding-DNA position 7447, T replaced by C.
Protein change: p.Cys2483Arg; replaces cysteine 2483 with arginine.
Molecular consequence: missense variant.
Genome position (GRCh38, 1-based): chr15:48,425,375, A>G on the plus strand (T>C on the coding strand, the complement: FBN1 is on the minus strand). VCF-style: chr15-48425375-A-G. GRCh37 (hg19) VCF-style: chr15-48717572-A-G.
Other names: short protein forms C2483R.
Identifiers: ClinVar variation 549410 (VCV000549410.22), dbSNP rs1555394391, ClinGen allele CA392327517.